The following is an entry in ClinVar:

NM_005908.4(MANBA):c.2138A>T (p.Asp713Val)

Gene: MANBA (mannosidase beta; minus strand). Cytogenetic location: 4q24.
Variant type: single nucleotide variant.
Coding change: c.2138A>T on transcript NM_005908.4 (MANE Select); coding-DNA position 2138, A replaced by T.
Protein change: p.Asp713Val; replaces aspartic acid 713 with valine.
Molecular consequence: missense variant.
Genome position (GRCh38, 1-based): chr4:102,635,884, T>A on the plus strand (A>T on the coding strand, the complement: MANBA is on the minus strand). VCF-style: chr4-102635884-T-A. GRCh37 (hg19) VCF-style: chr4-103557041-T-A.
Other names: c.2138A>T (NM_005908.3); short protein forms D713V.
Identifiers: ClinVar variation 1435811 (VCV001435811.4), dbSNP rs773650770, ClinGen allele CA3026707.
Genomic context (GRCh38, chr4:102,635,884, plus strand): 5'-AAAGTCTCCTTCGATCTTAGAAAACAATCCAAGTAACTTACACTGAGTGTCATCGAATAA[T>A]CCGAGTGAAGATCTGACACACCATAGATATAGAACGTGTTTTCATTCTCAAAGCCTACTG-3'
Protein context (NP_005899.3, residues 703-723): YIYGVSDLHS[Asp713Val]YSMTLSVRVH

ClinVar aggregate classification (germline): Uncertain significance. Review status: criteria provided, multiple submitters, no conflicts (2 of 4 stars). 2 submissions from 2 submitters: Uncertain significance (2). Last evaluated 2023-12-12.

Conditions:
Inborn genetic diseases. Identifiers: MedGen C0950123, MeSH D030342.
Beta-D-mannosidosis (MANSB). Also called: MANNOSIDOSIS, BETA A, LYSOSOMAL; BETA-MANNOSIDASE DEFICIENCY; LYSOSOMAL BETA-MANNOSIDASE DEFICIENCY; Beta-Mannosidosis. Identifiers: Orphanet 118, MedGen C4048196, MONDO:0009562, OMIM 248510.

Allele frequency attached by ClinVar (database versions not stated): 1000 Genomes Project 30x 0.00016; ExAC 0.00003; gnomAD 0.00005; gnomAD exomes 0.00005; TOPMed 0.00005.
gnomAD v4.1: 241 of 1,612,628 alleles (0.015%); highest among the groups gnomAD compares: Non-Finnish European, 0.02%; 1 homozygote.

Submissions (2):

Ambry Genetics
Classification: Uncertain significance for Inborn genetic diseases. Last evaluated: 2023-12-12. Review status: criteria provided, single submitter. Criteria: Ambry Variant Classification Scheme 2023. Collection method: clinical testing. Allele origin: germline.

Labcorp Genetics (formerly Invitae), Labcorp
Classification: Uncertain significance for Beta-D-mannosidosis. Last evaluated: 2022-06-20. Review status: criteria provided, single submitter. Criteria: Invitae Variant Classification Sherloc (09022015). Collection method: clinical testing. Allele origin: germline.
Comment: This sequence change replaces aspartic acid, which is acidic and polar, with valine, which is neutral and non-polar, at codon 713 of the MANBA protein (p.Asp713Val). This variant is present in population databases (rs773650770, gnomAD 0.009%). This variant has not been reported in the literature in individuals affected with MANBA-related conditions. Algorithms developed to predict the effect of missense changes on protein structure and function (SIFT, PolyPhen-2, Align-GVGD) all suggest that this variant is likely to be tolerated. Algorithms developed to predict the effect of sequence changes on RNA splicing suggest that this variant may disrupt the consensus splice site. In summary, the available evidence is currently insufficient to determine the role of this variant in disease. Therefore, it has been classified as a Variant of Uncertain Significance.